The following is an entry in ClinVar:

NM_144997.7(FLCN):c.650A>G (p.Gln217Arg)

Gene: FLCN (folliculin; minus strand). Cytogenetic location: 17p11.2.
Variant type: single nucleotide variant.
Coding change: c.650A>G on transcript NM_144997.7 (MANE Select); coding-DNA position 650, A replaced by G.
Protein change: p.Gln217Arg; replaces glutamine 217 with arginine.
Molecular consequence: missense variant.
Genome position (GRCh38, 1-based): chr17:17,222,630, T>C on the plus strand (A>G on the coding strand, the complement: FLCN is on the minus strand). VCF-style: chr17-17222630-T-C. GRCh37 (hg19) VCF-style: chr17-17125944-T-C.
Other names: c.704A>G, p.Gln235Arg (NM_001353229.2); c.650A>G, p.Gln217Arg (NM_001353230.2, NM_001353231.2, NM_144606.7); short protein forms Q235R, Q217R.
Identifiers: ClinVar variation 1753948 (VCV001753948.6), dbSNP rs2544235083, ClinGen allele CA398534086.
Genomic context (GRCh38, chr17:17,222,630, plus strand): 5'-GCGTTGCCGTTCCTCTGGTGTAGGAATGGCGTGAAGGCTGTGTTCATCCTCTGAGCACGC[T>C]GTGGGCATCCAAACTGCTCTGCCTCAAACACCTGAAATGCAAAGGGAAGGGATGGCCTCT-3'
Protein context (NP_659434.2, residues 207-227): VFEAEQFGCP[Gln217Arg]RAQRMNTAFT

ClinVar aggregate classification (germline): Uncertain significance. Review status: criteria provided, multiple submitters, no conflicts (2 of 4 stars). 2 submissions from 2 submitters: Uncertain significance (2). Last evaluated 2025-09-14.

Conditions:
Hereditary cancer-predisposing syndrome. Also called: Neoplastic Syndromes, Hereditary; Tumor predisposition; Hereditary neoplastic syndrome; Hereditary Cancer Syndrome. Identifiers: Orphanet 140162, MedGen C0027672, MeSH D009386, MONDO:0015356.
Birt-Hogg-Dube syndrome. Also called: Birt Hogg Dubé syndrome. Identifiers: Orphanet 122, MedGen C0346010, MONDO:0800444.

Allele frequency attached by ClinVar (database versions not stated): gnomAD exomes below 0.00001.
gnomAD v4.1: 6 of 1,614,232 alleles (0.00037%); highest among the groups gnomAD compares: Non-Finnish European, 0.00051%; no homozygotes.

Submissions (2):

Labcorp Genetics (formerly Invitae), Labcorp
Classification: Uncertain significance for Birt-Hogg-Dube syndrome. Last evaluated: 2025-09-14. Review status: criteria provided, single submitter. Criteria: Invitae Variant Classification Sherloc (09022015). Collection method: clinical testing. Allele origin: germline.
Comment: This sequence change replaces glutamine, which is neutral and polar, with arginine, which is basic and polar, at codon 217 of the FLCN protein (p.Gln217Arg). This variant is not present in population databases (gnomAD no frequency). This variant has not been reported in the literature in individuals affected with FLCN-related conditions. ClinVar contains an entry for this variant (Variation ID: 1753948). Invitae Evidence Modeling of protein sequence and biophysical properties (such as structural, functional, and spatial information, amino acid conservation, physicochemical variation, residue mobility, and thermodynamic stability) indicates that this missense variant is not expected to disrupt FLCN protein function with a negative predictive value of 80%. In summary, the available evidence is currently insufficient to determine the role of this variant in disease. Therefore, it has been classified as a Variant of Uncertain Significance.

Ambry Genetics
Classification: Uncertain significance for Hereditary cancer-predisposing syndrome. Last evaluated: 2024-10-13. Review status: criteria provided, single submitter. Criteria: Ambry Variant Classification Scheme 2023. Collection method: clinical testing. Allele origin: germline.
Comment: The p.Q217R variant (also known as c.650A>G), located in coding exon 4 of the FLCN gene, results from an A to G substitution at nucleotide position 650. The glutamine at codon 217 is replaced by arginine, an amino acid with highly similar properties. This amino acid position is highly conserved in available vertebrate species. In addition, the in silico prediction for this alteration is inconclusive. Since supporting evidence is limited at this time, the clinical significance of this alteration remains unclear.